The following is an entry in ClinVar:

ClinVar aggregate classification (germline): Uncertain significance. Review status: criteria provided, multiple submitters, no conflicts (2 of 4 stars). 5 submissions from 5 submitters: Uncertain significance (5). Last evaluated 2025-09-15.

Conditions:
Leukoencephalopathy-thalamus and brainstem anomalies-high lactate syndrome. Also called: LEUKOENCEPHALOPATHY WITH THALAMUS AND BRAINSTEM INVOLVEMENT AND HIGH LACTATE; Combined oxidative phosphorylation deficiency 12. Identifiers: Orphanet 314051, MedGen C4706421, MONDO:0013971, OMIM 614924.

Allele frequency attached by ClinVar (database versions not stated): ExAC 0.00002; gnomAD 0.00004; gnomAD exomes 0.00005 and 0.00006; TOPMed 0.00005.
gnomAD v4.1: 76 of 1,613,932 alleles (0.0047%); highest among the groups gnomAD compares: South Asian, 0.0077%; no homozygotes.

Submissions (5):

GeneDx
Classification: Uncertain significance. Last evaluated: 2025-09-15. Review status: criteria provided, single submitter. Criteria: GeneDx Variant Classification Process June 2021. Collection method: clinical testing. Allele origin: germline. Affected: yes.
Comment: Identified with a second EARS2 variant, although it is not known if the two variants are on opposite alleles (in trans), in an individual from a cohort of patients with mitochondrial epilepsy (PMID: 31665838); Not observed at significant frequency in large population cohorts (gnomAD); In silico analysis supports that this missense variant has a deleterious effect on protein structure/function; This variant is associated with the following publications: (PMID: 31665838, 35094435)

Mayo Clinic Laboratories, Mayo Clinic
Classification: Uncertain significance. Last evaluated: 2025-07-14. Review status: criteria provided, single submitter. Criteria: ACMG Guidelines, 2015. Collection method: clinical testing. Allele origin: germline. Observed: 1 variant allele.
Comment: PP4, PM2_supporting, PM3

Labcorp Genetics (formerly Invitae), Labcorp
Classification: Uncertain significance. Last evaluated: 2024-05-23. Review status: criteria provided, single submitter. Criteria: Invitae Variant Classification Sherloc (09022015). Collection method: clinical testing. Allele origin: germline.
Comment: This sequence change replaces arginine, which is basic and polar, with tryptophan, which is neutral and slightly polar, at codon 361 of the EARS2 protein (p.Arg361Trp). This variant is present in population databases (rs761350541, gnomAD 0.01%). This missense change has been observed in individual(s) with oxidative phosphorylation deficiency (PMID: 31665838). In at least one individual the data is consistent with being in trans (on the opposite chromosome) from a pathogenic variant. ClinVar contains an entry for this variant (Variation ID: 429209). Advanced modeling of protein sequence and biophysical properties (such as structural, functional, and spatial information, amino acid conservation, physicochemical variation, residue mobility, and thermodynamic stability) performed at Invitae indicates that this missense variant is expected to disrupt EARS2 protein function with a positive predictive value of 80%. In summary, the available evidence is currently insufficient to determine the role of this variant in disease. Therefore, it has been classified as a Variant of Uncertain Significance.

Blueprint Genetics
Classification: Uncertain significance. Last evaluated: 2024-03-28. Review status: criteria provided, single submitter. Criteria: ACMG Guidelines, 2015. Collection method: clinical testing. Allele origin: germline.

3billion
Classification: Uncertain significance for Leukoencephalopathy-thalamus and brainstem anomalies-high lactate syndrome. Last evaluated: 2023-02-23. Review status: criteria provided, single submitter. Criteria: ACMG Guidelines, 2015. Collection method: clinical testing. Allele origin: unknown. Affected: yes.
Comment: The variant is observed at an extremely low frequency in the gnomAD v2.1.1 dataset (total allele frequency: 0.006%). Missense changes are a common disease-causing mechanism. Same nucleotide change resulting in same amino acid change has been previously reported to be associated with EARS2 related disorder (PMID: 31665838). However, the evidence of pathogenicity is insufficient at this time. Therefore, this variant is classified as VUS according to the recommendation of ACMG/AMP guideline.

Literature cited by the submitters: PubMed 31589614 (cited by Mayo Clinic Laboratories, Mayo Clinic); PubMed 31665838 (cited by 3 submitters); PubMed 35094435 (cited by Mayo Clinic Laboratories, Mayo Clinic).

NM_001083614.2(EARS2):c.1081C>T (p.Arg361Trp)

Gene: EARS2 (glutamyl-tRNA synthetase 2, mitochondrial; minus strand). Cytogenetic location: 16p12.2.
Variant type: single nucleotide variant.
Coding change: c.1081C>T on transcript NM_001083614.2 (MANE Select); coding-DNA position 1081, C replaced by T.
Protein change: p.Arg361Trp; replaces arginine 361 with tryptophan.
Molecular consequence: missense variant. On other transcripts: non-coding transcript variant (1).
Genome position (GRCh38, 1-based): chr16:23,529,884, G>A on the plus strand (C>T on the coding strand, the complement: EARS2 is on the minus strand). VCF-style: chr16-23529884-G-A. GRCh37 (hg19) VCF-style: chr16-23541205-G-A.
Other names: p.Arg361Trp; c.1081C>T, p.Arg361Trp (NM_001308211.1); short protein forms R361W.
Identifiers: ClinVar variation 429209 (VCV000429209.11), dbSNP rs761350541, ClinGen allele CA7962410.
Genomic context (GRCh38, chr16:23,529,884, plus strand): 5'-CCACAAGGACCTGCAGCTTCCCCACCAGCTGGCGCCTCTGGCTCTCATTGCTCACCAGCC[G>A]CTGGAGGTGCAGTCTGCGGAAGAAATCAAGGGGCTGCCCTGCTGTCAACACCCCAACCCA-3'
Protein context (NP_001077083.1, residues 351-371): LPEFNRLHLQ[Arg361Trp]LVSNESQRRQ